The following is an entry in ClinVar:

NM_182894.3(VSX2):c.248_249delinsA (p.Gly83fs)

Gene: VSX2 (visual system homeobox 2; plus strand). Cytogenetic location: 14q24.3.
Variant type: Indel.
Coding change: c.248_249delinsA on transcript NM_182894.3 (MANE Select); coding-DNA positions 248 to 249, GG replaced by A.
Protein change: p.Gly83fs; shifts the reading frame from glycine 83.
Molecular consequence: frameshift variant.
Genome position (GRCh38, 1-based): chr14:74,239,809-74,239,810, GG replaced by A. VCF-style: chr14-74239809-GG-A. GRCh37 (hg19) VCF-style: chr14-74706512-GG-A.
Other names: short protein forms G83fs.
Identifiers: ClinVar variation 4817009 (VCV004817009.1).

ClinVar aggregate classification (germline): Likely pathogenic (1 of 4 stars; one submission).

Conditions:
Microphthalmia. Also called: Microphthalmos. Identifiers: MedGen C0026010, MONDO:0021129, HP:0000568.

Submission:

Natera, Inc.
Classification: Likely pathogenic for Microphthalmia. Last evaluated: 2025-01-22. Review status: criteria provided, single submitter. Criteria: Natera Variant Classification Schema (03/2026). Collection method: clinical testing. Allele origin: germline.
Comment: The c.248_249delinsA variant in VSX2 is a frameshift variant predicted to shift the reading frame beginning at codon 83 and leads to a stop codon 58 codons downstream. This variant is expected to result in nonsense mediated decay, truncation, or a dysfunctional protein product. This variant is rare in the general population with a frequency below the threshold expected for the associated phenotype(s). Given the available evidence, this variant is classified as Likely Pathogenic.